The following is an entry in ClinVar:

ClinVar aggregate classification (germline): Likely pathogenic. Review status: criteria provided, multiple submitters, no conflicts (2 of 4 stars). 3 submissions from 3 submitters: Likely pathogenic (3). Last evaluated 2026-03-27.

Conditions:
Dilated cardiomyopathy 1G (CMD1G). Identifiers: Orphanet 154, MedGen C1858763, MONDO:0011400, OMIM 604145.
Autosomal recessive limb-girdle muscular dystrophy type 2J (LGMDR10). Also called: Limb-girdle muscular dystrophy, type 2J; MUSCULAR DYSTROPHY, LIMB-GIRDLE, AUTOSOMAL RECESSIVE 10. Identifiers: Orphanet 140922, MedGen C1837342, MONDO:0012127, OMIM 608807.
Cardiovascular phenotype. Identifiers: MedGen CN230736.

Allele frequency attached by ClinVar (database versions not stated): TOPMed below 0.00001; gnomAD exomes below 0.00001.

Submissions (3):

GeneDx
Classification: Likely pathogenic. Last evaluated: 2026-03-27. Review status: criteria provided, single submitter. Criteria: GeneDx Variant Classification Process June 2021. Collection method: clinical testing. Allele origin: germline.
Comment: Frameshift variant predicted to result in protein truncation or nonsense mediated decay in a gene for which loss of function is a known mechanism of disease; Not observed at significant frequency in large population cohorts (gnomAD); Has not been previously published in association with a TTN-related disorder to our knowledge; Located in the A-band, a region of TTN for which truncating variants are significantly associated with autosomal dominant cardiomyopathy and also with autosomal recessive skeletal myopathies (PMID: 22335739, 32778822); This variant is associated with the following publications: (PMID: 35177841, 22335739, 32778822)

Labcorp Genetics (formerly Invitae), Labcorp
Classification: Likely pathogenic for Dilated cardiomyopathy 1G; Autosomal recessive limb-girdle muscular dystrophy type 2J. Last evaluated: 2024-04-30. Review status: criteria provided, single submitter. Criteria: Invitae Variant Classification Sherloc (09022015). Collection method: clinical testing. Allele origin: germline.
Comment: This sequence change creates a premature translational stop signal (p.Ile18132Leufs*14) in the TTN gene. While this is not anticipated to result in nonsense mediated decay, it is expected to create a truncated TTN protein. This variant is not present in population databases (gnomAD no frequency). This variant has not been reported in the literature in individuals affected with TTN-related conditions. ClinVar contains an entry for this variant (Variation ID: 1795143). This variant is located in the A band of TTN (PMID: 25589632). Truncating variants in this region are significantly overrepresented in patients affected with dilated cardiomyopathy (PMID: 25589632). Truncating variants in this region have also been reported in individuals affected with autosomal recessive centronuclear myopathy (PMID: 23975875). In summary, the currently available evidence indicates that the variant is pathogenic, but additional data are needed to prove that conclusively. Therefore, this variant has been classified as Likely Pathogenic.

Ambry Genetics
Classification: Likely pathogenic for Cardiovascular phenotype. Last evaluated: 2020-12-04. Review status: criteria provided, single submitter. Criteria: Ambry Variant Classification Scheme 2023. Collection method: clinical testing. Allele origin: germline.
Comment: The c.27197_27198dupTT variant, located in coding exon 109 of the TTN gene, results from a duplication of TT at nucleotide position 27197, causing a translational frameshift with a predicted alternate stop codon (p.I9067Lfs*14). This exon is located in the A-band region of the N2-B isoform of the titin protein and is constitutively expressed in TTN transcripts (percent spliced in or PSI 100%). This alteration is expected to result in loss of function by premature protein truncation or nonsense-mediated mRNA decay. While truncating variants in TTN are present in 1-3% of the general population, truncating variants in the A-band are the most common cause of dilated cardiomyopathy (DCM) (Herman DS et al. N. Engl. J. Med., 2012 Feb;366:619-28; Roberts AM et al. Sci Transl Med, 2015 Jan;7:270ra6). TTN truncating variants encoded in constitutive exons (PSI >90%) have been found to be significantly associated with DCM regardless of their position in titin (Schafer S et al. Nat. Genet., 2017 01;49:46-53). As such, this alteration is classified as likely pathogenic.

Literature cited by the submitters: PubMed 25589632 (cited by Labcorp Genetics (formerly Invitae), Labcorp); PubMed 23975875 (cited by Labcorp Genetics (formerly Invitae), Labcorp).

NM_001267550.2(TTN):c.54392_54393dup (p.Ile18132fs)

Genes: TTN-AS1 (TTN antisense RNA 1; plus strand), TTN (titin; minus strand). Cytogenetic location: 2q31.2.
Variant type: Duplication.
Coding change: c.54392_54393dup on transcript NM_001267550.2 (MANE Select); coding-DNA positions 54392 to 54393, 2 bases duplicated (TT; older notation c.54392_54393dupTT).
Protein change: p.Ile18132fs; shifts the reading frame from isoleucine 18132.
Molecular consequence: frameshift variant.
Genome position (GRCh38, 1-based): chr2:178,604,294-178,604,295, AA duplicated on the plus strand (TT on the coding strand, the reverse complement: TTN is on the minus strand). VCF-style (leftmost placement, unchanged base first): chr2-178604293-T-TAA. GRCh37 (hg19) VCF-style: chr2-179469020-T-TAA.
Other names: c.27197_27198dupTT (NM_003319.4); c.49469_49470dup, p.Ile16491fs (NM_001256850.1); c.27197_27198dup, p.Ile9067fs (NM_003319.4); c.46688_46689dup, p.Ile15564fs (NM_133378.4); c.27572_27573dup, p.Ile9192fs (NM_133432.3); c.27773_27774dup, p.Ile9259fs (NM_133437.4); short protein forms I15564fs, I16491fs, I9067fs, I9259fs, I18132fs, I9192fs.
Identifiers: ClinVar variation 1795143 (VCV001795143.5), dbSNP rs2054222422, ClinGen allele CA1310545239.
Genomic context (GRCh38, chr2:178,604,293, plus strand): 5'-CATCACTGATTCCATATTTATTCACTGCCCTGACTCGGAACTCATACTGACCATTGGGGA[T>TAA]AAGTTTCCAGATCTAGAAATTAGAAAAACAGAAATTTATTGAAGAGAATATACTTATGTT-3'